The following is an entry in ClinVar:

NM_017763.6(RNF43):c.1536C>T (p.Ser512=)

Gene: RNF43 (ring finger protein 43; minus strand). Cytogenetic location: 17q22.
Variant type: single nucleotide variant.
Coding change: c.1536C>T on transcript NM_017763.6 (MANE Select); coding-DNA position 1536, C replaced by T.
Protein change: p.Ser512=; no amino-acid change (serine 512 retained).
Molecular consequence: synonymous variant.
Genome position (GRCh38, 1-based): chr17:58,358,240, G>A on the plus strand (C>T on the coding strand, the complement: RNF43 is on the minus strand). VCF-style: chr17-58358240-G-A. GRCh37 (hg19) VCF-style: chr17-56435601-G-A.
Other names: c.1155C>T, p.Ser385= (NM_001305545.2); c.1536C>T, p.Ser512= (NM_001305544.3).
Identifiers: ClinVar variation 2173586 (VCV002173586.6), dbSNP rs748623760, ClinGen allele CA8673162.
Genomic context (GRCh38, chr17:58,358,240, plus strand): 5'-GGAACGAGGCCGAGAGGTCACACTAGGCTGCATGTCCACTCGCTGGGGATCCCCTTTAGG[G>A]CTGCAGTACACTAGGGGGTCAAAGTCACTGCTTAGGGAGCTGCAGAAAGTAGAACTGCTG-3'
Protein context (NP_060233.3, residues 502-522): SSDFDPLVYC[Ser512=]PKGDPQRVDM

ClinVar aggregate classification (germline): Benign/Likely benign. Review status: criteria provided, multiple submitters, no conflicts (2 of 4 stars). 3 submissions from 3 submitters: Benign (1); Likely benign (2). Last evaluated 2026-07-02.

Conditions:
Sessile serrated polyposis cancer syndrome (SSPCS). Identifiers: Orphanet 157798, MedGen C4310714, MONDO:0014919, OMIM 617108.

Allele frequency attached by ClinVar (database versions not stated): gnomAD exomes 0.00001; TOPMed 0.00001; ExAC 0.00002.

Submissions (3):

Myriad Genetics, Inc.
Classification: Benign for Sessile serrated polyposis cancer syndrome. Last evaluated: 2026-07-02. Review status: criteria provided, single submitter. Criteria: Myriad Autosomal Dominant, Autosomal Recessive and X-Linked Classification Criteria (2023). Collection method: clinical testing. Allele origin: unknown.
Comment: This variant is considered benign. This variant is a silent/synonymous amino acid change and it is not expected to impact splicing.

Ambry Genetics
Classification: Likely benign. Last evaluated: 2024-10-04. Review status: criteria provided, single submitter. Criteria: Ambry Variant Classification Scheme 2023. Collection method: clinical testing. Allele origin: germline.

Labcorp Genetics (formerly Invitae), Labcorp
Classification: Likely benign. Last evaluated: 2022-01-16. Review status: criteria provided, single submitter. Criteria: Invitae Variant Classification Sherloc (09022015). Collection method: clinical testing. Allele origin: germline.